The following is an entry in ClinVar:

NM_001009944.3(PKD1):c.4925G>A (p.Arg1642His)

Gene: PKD1 (polycystin 1, transient receptor potential channel interacting; minus strand). Cytogenetic location: 16p13.3.
Variant type: single nucleotide variant.
Coding change: c.4925G>A on transcript NM_001009944.3 (MANE Select); coding-DNA position 4925, G replaced by A.
Protein change: p.Arg1642His; replaces arginine 1642 with histidine.
Molecular consequence: missense variant.
Genome position (GRCh38, 1-based): chr16:2,110,242, C>T on the plus strand (G>A on the coding strand, the complement: PKD1 is on the minus strand). VCF-style: chr16-2110242-C-T. GRCh37 (hg19) VCF-style: chr16-2160243-C-T.
Other names: c.4925G>A, p.Arg1642His (NM_000296.4); short protein forms R1642H.
Identifiers: ClinVar variation 997302 (VCV000997302.10), dbSNP rs191014450, ClinGen allele CA7832191.

ClinVar aggregate classification (germline): Likely benign. Review status: criteria provided, multiple submitters, no conflicts (2 of 4 stars). 3 submissions from 3 submitters: Likely benign (2). 1 of the submissions does not count toward it. Last evaluated 2025-07-01.

Conditions:
Polycystic kidney disease. Also called: Kidney, Polycystic; Polycystic kidney dysplasia. Identifiers: MedGen C0022680, MeSH D007690, MONDO:0020642, HP:0000113.

Allele frequency attached by ClinVar (database versions not stated): gnomAD exomes 0.00021; ExAC 0.00024; ESP Exome Variant Server 0.00046; TOPMed 0.00067; gnomAD 0.00070 and 0.00071; 1000 Genomes Project 30x 0.00172; 1000 Genomes Project 0.00200.
gnomAD v4.1: 250 of 1,611,904 alleles (0.016%); highest among the groups gnomAD compares: African/African-American, 0.3%; 1 homozygote.

Submissions (3):

CeGaT Center for Human Genetics Tuebingen
Classification: Likely benign. Last evaluated: 2025-07-01. Review status: criteria provided, single submitter. Criteria: CeGaT Center For Human Genetics Tuebingen Variant Classification Criteria Version 2. Collection method: clinical testing. Allele origin: germline. Affected: yes. Observed: 1 variant allele.
Comment: PKD1: BP4, BS2

Blueprint Genetics
Classification: Likely benign. Last evaluated: 2024-07-14. Review status: criteria provided, single submitter. Criteria: ACMG Guidelines, 2015. Collection method: clinical testing. Allele origin: germline.

Department of Pathology and Laboratory Medicine, Sinai Health System
Classification: Likely benign for Polycystic Kidney disease. Review status: no assertion criteria provided. Collection method: clinical testing. Allele origin: unknown. Affected: yes. Study: The Canadian Open Genetics Repository (COGR). Not counted in ClinVar's aggregate classification.
Comment: The PKD1 p.Arg1642His variant was not identified in the literature nor was it identified in the ClinVar, COGR, LOVD 3.0, ADPKD Mutation Database, or PKD1-LOVD, databases. The variant was identified in dbSNP (ID: rs191014450) database. The variant was identified in control databases in 82 of 272186 chromosomes (1 homozygous) at a frequency of 0.0003 increasing the likelihood this could be a low frequency benign variant (Genome Aggregation Database Feb 27, 2017). The variant was observed in the following populations: African in 76 of 23268 chromosomes (freq: 0.003), Latino in 2 of 34308 chromosomes (freq: 0.000058), European in 3 of 123422 chromosomes (freq: 0.00002), and South Asian in 1 of 30738 chromosomes (freq: 0.00003); it was not observed in the Other, Ashkenazi Jewish, East Asian, and Finnish, populations. The p.Arg1642 residue is not conserved in mammals and four out of five computational analyses (PolyPhen-2, SIFT, AlignGVGD, BLOSUM, MutationTaster) do not suggest a high likelihood of impact to the protein; however, this information is not predictive enough to rule out pathogenicity. The variant occurs outside of the splicing consensus sequence and in silico or computational prediction software programs (SpliceSiteFinder, MaxEntScan, NNSPLICE, GeneSplicer) do not predict a difference in splicing. In addition, the variant was identified in our lab with a co-occurring pathogenic PKD1 variant (c.2932C>T, p.Gln978*), increasing the likelihood that the p.Arg1642His variant does not have clinical significance. In summary, based on the above information the clinical significance of this variant cannot be determined with certainty at this time although we would lean towards a more benign role for this variant. This variant is classified as likely benign.